The following is an entry in ClinVar:

ClinVar aggregate classification (germline): Likely benign. Review status: criteria provided, single submitter (1 of 4 stars). 2 submissions from 2 submitters: Likely benign (1). 1 of the submissions does not count toward it. Last evaluated 2024-09-11.

Conditions:
DNAH1-related disorder. Also called: DNAH1-related condition.
Spermatogenic failure 18. Identifiers: MedGen C4539783, MONDO:0054615, OMIM 617576.
Ciliary dyskinesia, primary, 37 (CILD37). Also called: CILIARY DYSKINESIA, PRIMARY, 37, WITH OR WITHOUT SITUS INVERSUS. Identifiers: MedGen C4539798, MONDO:0033204, OMIM 617577.

Allele frequency attached by ClinVar (database versions not stated): ExAC 0.00007; gnomAD exomes 0.00009; gnomAD 0.00010 and 0.00011; TOPMed 0.00010; 1000 Genomes Project 30x 0.00016; 1000 Genomes Project 0.00020.
gnomAD v4.1: 83 of 1,614,022 alleles (0.0051%); highest among the groups gnomAD compares: Admixed American, 0.07%; no homozygotes.

Submissions (2):

Labcorp Genetics (formerly Invitae), Labcorp
Classification: Likely benign for Ciliary dyskinesia, primary, 37; Spermatogenic failure 18. Last evaluated: 2024-09-11. Review status: criteria provided, single submitter. Criteria: Invitae Variant Classification Sherloc (09022015). Collection method: clinical testing. Allele origin: germline.

PreventionGenetics, part of Exact Sciences
Classification: Likely benign for DNAH1-related condition. Last evaluated: 2019-06-14. Review status: no assertion criteria provided. Collection method: clinical testing. Allele origin: germline. Not counted in ClinVar's aggregate classification.
Comment: This variant is classified as likely benign based on ACMG/AMP sequence variant interpretation guidelines (Richards et al. 2015 PMID: 25741868, with internal and published modifications).

NM_015512.5(DNAH1):c.10698G>A (p.Leu3566=)

Gene: DNAH1 (dynein axonemal heavy chain 1; plus strand). Cytogenetic location: 3p21.1.
Variant type: single nucleotide variant.
Coding change: c.10698G>A on transcript NM_015512.5 (MANE Select); coding-DNA position 10698, G replaced by A.
Protein change: p.Leu3566=; no amino-acid change (leucine 3566 retained).
Molecular consequence: synonymous variant.
Genome position (GRCh38, 1-based): chr3:52,394,536, G>A. VCF-style: chr3-52394536-G-A. GRCh37 (hg19) VCF-style: chr3-52428552-G-A.
Other names: c.10698G>A (NM_015512.4).
Identifiers: ClinVar variation 1132433 (VCV001132433.9), dbSNP rs201495938, ClinGen allele CA2435927.